The following is an entry in ClinVar:

ClinVar aggregate classification (germline): Likely pathogenic (1 of 4 stars; one submission).

Conditions:
Telangiectasia, hereditary hemorrhagic, type 2 (HHT2). Also called: ACVRL1-Related Hereditary Hemorrhagic Telangiectasia; Telangiectasia, hereditary hemorrhagic, type II. Identifiers: Orphanet 774, MedGen C1838163, MONDO:0010880, OMIM 600376. Disease mechanism: loss of function.

Submission:

Labcorp Genetics (formerly Invitae), Labcorp
Classification: Likely pathogenic for Telangiectasia, hereditary hemorrhagic, type 2. Last evaluated: 2022-04-28. Review status: criteria provided, single submitter. Criteria: Invitae Variant Classification Sherloc (09022015). Collection method: clinical testing. Allele origin: germline.
Comment: In summary, the currently available evidence indicates that the variant is pathogenic, but additional data are needed to prove that conclusively. Therefore, this variant has been classified as Likely Pathogenic. This variant disrupts the p.Trp50 amino acid residue in ACVRL1. Other variant(s) that disrupt this residue have been determined to be pathogenic (PMID: 9245985, 10187774, 10767348, 14684682; Invitae). This suggests that this residue is clinically significant, and that variants that disrupt this residue are likely to be disease-causing. Advanced modeling of protein sequence and biophysical properties (such as structural, functional, and spatial information, amino acid conservation, physicochemical variation, residue mobility, and thermodynamic stability) performed at Invitae indicates that this missense variant is expected to disrupt ACVRL1 protein function. This missense change has been observed in individuals with hereditary haemorrhagic telangiectasia (PMID: 16525724; Invitae). This variant is not present in population databases (gnomAD no frequency). This sequence change replaces tryptophan, which is neutral and slightly polar, with glycine, which is neutral and non-polar, at codon 50 of the ACVRL1 protein (p.Trp50Gly).

Literature cited by the submitters: PubMed 9245985; PubMed 10187774; PubMed 10767348; PubMed 14684682; PubMed 16525724.

NM_000020.3(ACVRL1):c.148T>G (p.Trp50Gly)

Gene: ACVRL1 (activin A receptor like type 1; plus strand). Cytogenetic location: 12q13.13.
Variant type: single nucleotide variant.
Coding change: c.148T>G on transcript NM_000020.3 (MANE Select); coding-DNA position 148, T replaced by G.
Protein change: p.Trp50Gly; replaces tryptophan 50 with glycine.
Molecular consequence: missense variant.
Genome position (GRCh38, 1-based): chr12:51,913,185, T>G. VCF-style: chr12-51913185-T-G. GRCh37 (hg19) VCF-style: chr12-52306969-T-G.
Other names: c.148T>G, p.Trp50Gly (NM_001077401.2); short protein forms W50G.
Identifiers: ClinVar variation 1509350 (VCV001509350.6), dbSNP rs1555152468, ClinGen allele CA384897704.